The following is an entry in ClinVar:

NM_004646.4(NPHS1):c.2504_2505del (p.Arg835fs)

Gene: NPHS1 (NPHS1 adhesion molecule, nephrin; minus strand). Cytogenetic location: 19q13.12.
Variant type: Deletion.
Coding change: c.2504_2505del on transcript NM_004646.4 (MANE Select); coding-DNA positions 2504 to 2505, 2 bases deleted (GA; older notation c.2504_2505delGA).
Protein change: p.Arg835fs; shifts the reading frame from arginine 835.
Molecular consequence: frameshift variant.
Genome position (GRCh38, 1-based): chr19:35,842,380-35,842,381, TC deleted on the plus strand (GA on the coding strand, the reverse complement: NPHS1 is on the minus strand); deleting any 2 consecutive bases within chr19:35,842,380-35,842,382 gives the same sequence; the c. name uses the placement nearest the transcript's 3' end. VCF-style (leftmost placement, unchanged base first): chr19-35842379-ATC-A. GRCh37 (hg19) VCF-style: chr19-36333281-ATC-A.
Other names: short protein forms R835fs.
Identifiers: ClinVar variation 1725651 (VCV001725651.2), dbSNP rs2513769378, ClinGen allele CA2580096868.

ClinVar aggregate classification (germline): Likely pathogenic (1 of 4 stars; one submission).

Conditions:
Finnish congenital nephrotic syndrome (NPHS1). Also called: NEPHROTIC SYNDROME, TYPE 1. Identifiers: Orphanet 839, MedGen C0403399, MONDO:0009732, OMIM 256300.

Submission:

Myriad Genetics, Inc.
Classification: Likely pathogenic for Finnish congenital nephrotic syndrome. Last evaluated: 2022-03-30. Review status: criteria provided, single submitter. Criteria: Myriad Women's Health Autosomal Recessive and X-Linked Classification Criteria (2021). Collection method: clinical testing. Allele origin: unknown.
Comment: NM_004646.3(NPHS1):c.2504_2505delGA(R835Ifs*13) is expected to be pathogenic in the context of nephrotic syndrome, NPHS1-related. This variant is predicted to lead to an abnormal or absent protein product due to the creation of a premature termination codon in NPHS1, a gene where loss-of-function variants are known to be pathogenic. Please note: this variant was assessed in the context of healthy population screening.